The following is an entry in ClinVar:

ClinVar aggregate classification (germline): Uncertain significance (1 of 4 stars; one submission).

Allele frequency attached by ClinVar (database versions not stated): gnomAD exomes 0.00001.
gnomAD v4.1: 4 of 1,613,804 alleles (0.00025%); highest among the groups gnomAD compares: South Asian, 0.0011%; no homozygotes.

Submission:

Labcorp Genetics (formerly Invitae), Labcorp
Classification: Uncertain significance. Last evaluated: 2025-09-28. Review status: criteria provided, single submitter. Criteria: Invitae Variant Classification Sherloc (09022015). Collection method: clinical testing. Allele origin: germline.
Comment: This sequence change replaces proline, which is neutral and non-polar, with alanine, which is neutral and non-polar, at codon 223 of the VAV1 protein (p.Pro223Ala). This variant is not present in population databases (gnomAD no frequency). This variant has not been reported in the literature in individuals affected with VAV1-related conditions. ClinVar contains an entry for this variant (Variation ID: 2887031). An algorithm developed to predict the effect of missense changes on protein structure and function (PolyPhen-2) suggests that this variant is likely to be disruptive. In summary, the available evidence is currently insufficient to determine the role of this variant in disease. Therefore, it has been classified as a Variant of Uncertain Significance.

NM_005428.4(VAV1):c.667C>G (p.Pro223Ala)

Gene: VAV1 (vav guanine nucleotide exchange factor 1; plus strand). Cytogenetic location: 19p13.3.
Variant type: single nucleotide variant.
Coding change: c.667C>G on transcript NM_005428.4 (MANE Select); coding-DNA position 667, C replaced by G.
Protein change: p.Pro223Ala; replaces proline 223 with alanine.
Molecular consequence: missense variant.
Genome position (GRCh38, 1-based): chr19:6,825,065, C>G. VCF-style: chr19-6825065-C-G. GRCh37 (hg19) VCF-style: chr19-6825076-C-G.
Other names: c.667C>G, p.Pro223Ala (NM_001258206.2); c.571C>G, p.Pro191Ala (NM_001258207.2); short protein forms P223A, P191A.
Identifiers: ClinVar variation 2887031 (VCV002887031.3), dbSNP rs2512364214, ClinGen allele CA403617369.